The following is an entry in ClinVar:

ClinVar aggregate classification (germline): Pathogenic/Likely pathogenic. Review status: criteria provided, multiple submitters, no conflicts (2 of 4 stars). 3 submissions from 3 submitters: Pathogenic (2); Likely pathogenic (1). Last evaluated 2023-06-01.

Conditions:
Familial cancer of breast. Also called: BREAST CANCER, FAMILIAL; Hereditary breast cancer; hereditary breast carcinoma. Identifiers: Orphanet 227535, MedGen C0346153, MONDO:0016419, OMIM 114480. Disease mechanism: loss of function.
Fanconi anemia complementation group J. Also called: BRIP1-Related Fanconi Anemia. Identifiers: Orphanet 84, MedGen C1836860, MONDO:0012187, OMIM 609054.

Submissions (3):

Myriad Genetics, Inc.
Classification: Pathogenic for Familial cancer of breast. Last evaluated: 2023-06-01. Review status: criteria provided, single submitter. Criteria: Myriad Autosomal Dominant, Autosomal Recessive and X-Linked Classification Criteria (2023). Collection method: clinical testing. Allele origin: unknown.
Comment: This variant is considered pathogenic. This variant creates a frameshift predicted to result in premature protein truncation.

MGZ Medical Genetics Center
Classification: Likely pathogenic for Familial cancer of breast. Last evaluated: 2022-05-24. Review status: criteria provided, single submitter. Criteria: ACMG Guidelines, 2015. Collection method: clinical testing. Allele origin: germline. Affected: yes. Observed: 2 variant alleles.
Comment: ACMG criteria applied: PVS1, PM2_SUP

Labcorp Genetics (formerly Invitae), Labcorp
Classification: Pathogenic for Familial cancer of breast; Fanconi anemia complementation group J. Last evaluated: 2021-12-11. Review status: criteria provided, single submitter. Criteria: Invitae Variant Classification Sherloc (09022015). Collection method: clinical testing. Allele origin: germline.
Comment: For these reasons, this variant has been classified as Pathogenic. This variant has not been reported in the literature in individuals affected with BRIP1-related conditions. This variant is not present in population databases (gnomAD no frequency). This sequence change creates a premature translational stop signal (p.Val390Serfs*3) in the BRIP1 gene. It is expected to result in an absent or disrupted protein product. Loss-of-function variants in BRIP1 are known to be pathogenic (PMID: 16116423, 17033622, 21964575).

Literature cited by the submitters: PubMed 16116423 (cited by Labcorp Genetics (formerly Invitae), Labcorp); PubMed 17033622 (cited by Labcorp Genetics (formerly Invitae), Labcorp); PubMed 21964575 (cited by Labcorp Genetics (formerly Invitae), Labcorp).

NM_032043.3(BRIP1):c.1167del (p.Val390fs)

Gene: BRIP1 (BRCA1 interacting DNA helicase 1; minus strand). Cytogenetic location: 17q23.2.
Variant type: Deletion.
Coding change: c.1167del on transcript NM_032043.3 (MANE Select); coding-DNA position 1167, one base deleted (T; older notation c.1167delT).
Protein change: p.Val390fs; shifts the reading frame from valine 390.
Molecular consequence: frameshift variant.
Genome position (GRCh38, 1-based): chr17:61,799,273, A deleted on the plus strand (T on the coding strand, the reverse complement: BRIP1 is on the minus strand); the first of 2 consecutive A bases (chr17:61,799,273-61,799,274); deleting either gives the same sequence. VCF-style (leftmost placement, unchanged base first): chr17-61799272-CA-C. GRCh37 (hg19) VCF-style: chr17-59876633-CA-C.
Other names: short protein forms V390fs.
Identifiers: ClinVar variation 1709539 (VCV001709539.9), dbSNP rs2545139564, ClinGen allele CA2580094511.